The following is an entry in ClinVar:

ClinVar aggregate classification (germline): Uncertain significance. Review status: criteria provided, multiple submitters, no conflicts (2 of 4 stars). 2 submissions from 2 submitters: Uncertain significance (2). Last evaluated 2025-01-23.

Allele frequency attached by ClinVar (database versions not stated): gnomAD 0.00001; TOPMed 0.00001; gnomAD exomes 0.00003.

Submissions (2):

Ambry Genetics
Classification: Uncertain significance. Last evaluated: 2025-01-23. Review status: criteria provided, single submitter. Criteria: Ambry Variant Classification Scheme 2023. Collection method: clinical testing. Allele origin: germline.

Labcorp Genetics (formerly Invitae), Labcorp
Classification: Uncertain significance. Last evaluated: 2023-10-13. Review status: criteria provided, single submitter. Criteria: Invitae Variant Classification Sherloc (09022015). Collection method: clinical testing. Allele origin: germline.
Comment: This sequence change replaces glycine, which is neutral and non-polar, with serine, which is neutral and polar, at codon 481 of the CLCN6 protein (p.Gly481Ser). This variant is not present in population databases (gnomAD no frequency). This variant has not been reported in the literature in individuals affected with CLCN6-related conditions. ClinVar contains an entry for this variant (Variation ID: 1450235). An algorithm developed to predict the effect of missense changes on protein structure and function (PolyPhen-2) suggests that this variant is likely to be disruptive. Algorithms developed to predict the effect of sequence changes on RNA splicing suggest that this variant may create or strengthen a splice site. In summary, the available evidence is currently insufficient to determine the role of this variant in disease. Therefore, it has been classified as a Variant of Uncertain Significance.

NM_001286.5(CLCN6):c.1441G>A (p.Gly481Ser)

Gene: CLCN6 (chloride voltage-gated channel 6; plus strand). Cytogenetic location: 1p36.22.
Variant type: single nucleotide variant.
Coding change: c.1441G>A on transcript NM_001286.5 (MANE Select); coding-DNA position 1441, G replaced by A.
Protein change: p.Gly481Ser; replaces glycine 481 with serine.
Molecular consequence: missense variant. On other transcripts: non-coding transcript variant (1).
Genome position (GRCh38, 1-based): chr1:11,833,945, G>A. VCF-style: chr1-11833945-G-A. GRCh37 (hg19) VCF-style: chr1-11894002-G-A.
Other names: c.1441G>A (NM_001286.2); c.1375G>A, p.Gly459Ser (NM_001256959.2); short protein forms G459S, G481S.
Identifiers: ClinVar variation 1450235 (VCV001450235.10), dbSNP rs1004976008, ClinGen allele CA18002659.
Genomic context (GRCh38, chr1:11,833,945, plus strand): 5'-AGCCCCGTCACTCTGGCCTTGTTCTTCGTTCTCTATTTCTTGCTTGCATGTTGGACTTAC[G>A]GCATTTCTGTTCCAAGTGGCCTTTTTGTGCCTTCTCTGCTGTGTGGAGCTGCTTTTGGAC-3'
Protein context (NP_001277.2, residues 471-491): LYFLLACWTY[Gly481Ser]ISVPSGLFVP